The following is an entry in ClinVar:

NM_016111.4(TELO2):c.1974G>A (p.Ala658=)

Gene: TELO2 (telomere maintenance 2; plus strand). Cytogenetic location: 16p13.3.
Variant type: single nucleotide variant.
Coding change: c.1974G>A on transcript NM_016111.4 (MANE Select); coding-DNA position 1974, G replaced by A.
Protein change: p.Ala658=; no amino-acid change (alanine 658 retained).
Molecular consequence: synonymous variant.
Genome position (GRCh38, 1-based): chr16:1,505,541, G>A. VCF-style: chr16-1505541-G-A. GRCh37 (hg19) VCF-style: chr16-1555542-G-A.
Other names: c.1974G>A, p.Ala658= (NM_001351846.2).
Identifiers: ClinVar variation 728787 (VCV000728787.33), dbSNP rs141113733, ClinGen allele CA7812411.

ClinVar aggregate classification (germline): Benign/Likely benign. Review status: criteria provided, multiple submitters, no conflicts (2 of 4 stars). 2 submissions from 2 submitters: Benign (1); Likely benign (1). Last evaluated 2026-07-01.

Allele frequency attached by ClinVar (database versions not stated): gnomAD exomes 0.00019 and 0.00052; ExAC 0.00057; 1000 Genomes Project 30x 0.00172; 1000 Genomes Project 0.00180; gnomAD 0.00184 and 0.00200; ESP Exome Variant Server 0.00192; TOPMed 0.00212.

Submissions (2):

CeGaT Center for Human Genetics Tuebingen
Classification: Likely benign. Last evaluated: 2026-07-01. Review status: criteria provided, single submitter. Criteria: CeGaT Center For Human Genetics Tuebingen Variant Classification Criteria Version 2. Collection method: clinical testing. Allele origin: germline. Affected: yes. Observed: 2 variant alleles.
Comment: TELO2: BP4, BP7

Labcorp Genetics (formerly Invitae), Labcorp
Classification: Benign. Last evaluated: 2026-02-03. Review status: criteria provided, single submitter. Criteria: Invitae Variant Classification Sherloc (09022015). Collection method: clinical testing. Allele origin: germline.